The following is an entry in ClinVar:

ClinVar aggregate classification (germline): Conflicting classifications of pathogenicity. Review status: criteria provided, conflicting classifications (1 of 4 stars). 2 submissions from 2 submitters: Uncertain significance (1); Likely benign (1). Last evaluated 2025-02-22.

Conditions:
Cardiovascular phenotype. Identifiers: MedGen CN230736.
Brugada syndrome 6 (BRGDA6). Identifiers: Orphanet 130, MedGen C2751089, MONDO:0013145, OMIM 613119.

Allele frequency attached by ClinVar (database versions not stated): ExAC 0.00001; gnomAD exomes 0.00001; gnomAD 0.00002; TOPMed 0.00003.
gnomAD v4.1: 13 of 1,613,690 alleles (0.00081%); highest among the groups gnomAD compares: South Asian, 0.0055%; no homozygotes.

Submissions (2):

Ambry Genetics
Classification: Likely benign for Cardiovascular phenotype. Last evaluated: 2025-02-22. Review status: criteria provided, single submitter. Criteria: Ambry Variant Classification Scheme 2023. Collection method: clinical testing. Allele origin: germline.

Labcorp Genetics (formerly Invitae), Labcorp
Classification: Uncertain significance for Brugada syndrome 6. Last evaluated: 2022-08-15. Review status: criteria provided, single submitter. Criteria: Invitae Variant Classification Sherloc (09022015). Collection method: clinical testing. Allele origin: germline.
Comment: This variant has not been reported in the literature in individuals affected with KCNE3-related conditions. In summary, the available evidence is currently insufficient to determine the role of this variant in disease. Therefore, it has been classified as a Variant of Uncertain Significance. Algorithms developed to predict the effect of missense changes on protein structure and function output the following: SIFT: "Tolerated"; PolyPhen-2: "Benign"; Align-GVGD: "Class C0". The glutamine amino acid residue is found in multiple mammalian species, which suggests that this missense change does not adversely affect protein function. This variant is present in population databases (rs761179696, gnomAD 0.003%). This sequence change replaces arginine, which is basic and polar, with glutamine, which is neutral and polar, at codon 47 of the KCNE3 protein (p.Arg47Gln).

NM_005472.5(KCNE3):c.140G>A (p.Arg47Gln)

Gene: KCNE3 (potassium voltage-gated channel subfamily E regulatory subunit 3; minus strand). Cytogenetic location: 11q13.4.
Variant type: single nucleotide variant.
Coding change: c.140G>A on transcript NM_005472.5 (MANE Select); coding-DNA position 140, G replaced by A.
Protein change: p.Arg47Gln; replaces arginine 47 with glutamine.
Molecular consequence: missense variant.
Genome position (GRCh38, 1-based): chr11:74,457,424, C>T on the plus strand (G>A on the coding strand, the complement: KCNE3 is on the minus strand). VCF-style: chr11-74457424-C-T. GRCh37 (hg19) VCF-style: chr11-74168469-C-T.
Other names: short protein forms R47Q.
Identifiers: ClinVar variation 2180362 (VCV002180362.5), dbSNP rs761179696, ClinGen allele CA6184847.
Genomic context (GRCh38, chr11:74,457,424, plus strand): 5'-AGAAACATGACAAAGAGAATGTACATGTAGGAGTTGTCATCACGGCCAGGTAGGCTGGCC[C>T]GCCTCTCTTCAGTCTGGTTGTCTGGCCCCAGCCCTGGCCCTGGCCGGCAGAGCAAATTGC-3'
Protein context (NP_005463.1, residues 37-57): LGPDNQTEER[Arg47Gln]ASLPGRDDNS